The following is an entry in ClinVar:

NM_001252078.2(USP15):c.1852G>A (p.Val618Ile)

Gene: USP15 (ubiquitin specific peptidase 15; plus strand). Cytogenetic location: 12q14.1.
Variant type: single nucleotide variant.
Coding change: c.1852G>A on transcript NM_001252078.2 (MANE Select); coding-DNA position 1852, G replaced by A.
Protein change: p.Val618Ile; replaces valine 618 with isoleucine.
Molecular consequence: missense variant. On other transcripts: non-coding transcript variant (5).
Genome position (GRCh38, 1-based): chr12:62,390,871, G>A. VCF-style: chr12-62390871-G-A. GRCh37 (hg19) VCF-style: chr12-62784651-G-A.
Other names: c.1489G>A, p.Val497Ile (NM_001351159.2); c.1105G>A, p.Val369Ile (NM_001351160.2); c.853G>A, p.Val285Ile (NM_001351163.2, NM_001351164.2, NM_001351165.2 and 1 more transcripts); c.1765G>A, p.Val589Ile (NM_006313.3); short protein forms V369I, V618I, V589I, V497I, V285I.
Identifiers: ClinVar variation 2342632 (VCV002342632.5), dbSNP rs753913214, ClinGen allele CA6662848.

ClinVar aggregate classification (germline): Uncertain significance. Review status: criteria provided, multiple submitters, no conflicts (2 of 4 stars). 2 submissions from 2 submitters: Uncertain significance (2). Last evaluated 2025-11-07.

Allele frequency attached by ClinVar (database versions not stated): gnomAD 0.00007; ExAC 0.00007; gnomAD exomes 0.00010.
gnomAD v4.1: 152 of 1,607,924 alleles (0.0095%); highest among the groups gnomAD compares: Admixed American, 0.019%; no homozygotes.

Submissions (2):

Dasa
Classification: Uncertain significance. Last evaluated: 2025-11-07. Review status: criteria provided, single submitter. Criteria: DASA Assertion Criteria. Collection method: clinical testing. Allele origin: germline.
Comment: NM_001252078.2(USP15):c.1852G>A (p.Val618Ile) is a missense variant that results in the substitution of valine with isoleucine. This variant is rare in population databases. Computational prediction algorithms are consistent with a benign effect. The currently available literature and clinical evidence are not sufficient to establish a definitive association between this variant and the reported condition. Therefore, this variant is classified as a variant of uncertain significance.

Ambry Genetics
Classification: Uncertain significance. Last evaluated: 2025-11-05. Review status: criteria provided, single submitter. Criteria: Ambry Variant Classification Scheme 2023. Collection method: clinical testing. Allele origin: germline.